The following is an entry in ClinVar:

NM_003647.3(DGKE):c.363C>A (p.Asp121Glu)

Gene: DGKE (diacylglycerol kinase epsilon; plus strand). Cytogenetic location: 17q22.
Variant type: single nucleotide variant.
Coding change: c.363C>A on transcript NM_003647.3 (MANE Select); coding-DNA position 363, C replaced by A.
Protein change: p.Asp121Glu; replaces aspartic acid 121 with glutamic acid.
Molecular consequence: missense variant.
Genome position (GRCh38, 1-based): chr17:56,835,158, C>A. VCF-style: chr17-56835158-C-A. GRCh37 (hg19) VCF-style: chr17-54912519-C-A.
Other names: p.Asp121Glu; short protein forms D121E.
Identifiers: ClinVar variation 4542202 (VCV004542202.1).

ClinVar aggregate classification (germline): Uncertain significance (1 of 4 stars; one submission).

Submission:

Mayo Clinic Laboratories, Mayo Clinic
Classification: Uncertain significance. Last evaluated: 2025-03-18. Review status: criteria provided, single submitter. Criteria: ACMG Guidelines, 2015. Collection method: clinical testing. Allele origin: germline. Observed: 1 variant allele.
Comment: BP4_moderate, PM2_supporting